The following is an entry in ClinVar:

NM_006922.4(SCN3A):c.967A>G (p.Ser323Gly)

Gene: SCN3A (sodium voltage-gated channel alpha subunit 3; minus strand). Cytogenetic location: 2q24.3.
Variant type: single nucleotide variant.
Coding change: c.967A>G on transcript NM_006922.4 (MANE Select); coding-DNA position 967, A replaced by G.
Protein change: p.Ser323Gly; replaces serine 323 with glycine.
Molecular consequence: missense variant.
Genome position (GRCh38, 1-based): chr2:165,162,556, T>C on the plus strand (A>G on the coding strand, the complement: SCN3A is on the minus strand). VCF-style: chr2-165162556-T-C. GRCh37 (hg19) VCF-style: chr2-166019066-T-C.
Other names: c.967A>G, p.Ser323Gly (NM_001081676.2, NM_001081677.2); short protein forms S323G.
Identifiers: ClinVar variation 1719457 (VCV001719457.5), dbSNP rs2468475562, ClinGen allele CA349238842.

ClinVar aggregate classification (germline): Uncertain significance (1 of 4 stars; one submission).

Submission:

Labcorp Genetics (formerly Invitae), Labcorp
Classification: Uncertain significance. Last evaluated: 2022-09-14. Review status: criteria provided, single submitter. Criteria: Invitae Variant Classification Sherloc (09022015). Collection method: clinical testing. Allele origin: germline.
Comment: Algorithms developed to predict the effect of missense changes on protein structure and function output the following: SIFT: "Tolerated"; PolyPhen-2: "Benign"; Align-GVGD: "Class C0". The glycine amino acid residue is found in multiple mammalian species, which suggests that this missense change does not adversely affect protein function. This variant has not been reported in the literature in individuals affected with SCN3A-related conditions. This variant is not present in population databases (gnomAD no frequency). This sequence change replaces serine, which is neutral and polar, with glycine, which is neutral and non-polar, at codon 323 of the SCN3A protein (p.Ser323Gly). In summary, the available evidence is currently insufficient to determine the role of this variant in disease. Therefore, it has been classified as a Variant of Uncertain Significance.